The following is an entry in ClinVar:

NM_000070.3(CAPN3):c.821A>G (p.Tyr274Cys)

Gene: CAPN3 (calpain 3; plus strand). Cytogenetic location: 15q15.1.
Variant type: single nucleotide variant.
Coding change: c.821A>G on transcript NM_000070.3 (MANE Select); coding-DNA position 821, A replaced by G.
Protein change: p.Tyr274Cys; replaces tyrosine 274 with cysteine.
Molecular consequence: missense variant. On other transcripts: intron variant (1).
Genome position (GRCh38, 1-based): chr15:42,389,972, A>G. VCF-style: chr15-42389972-A-G. GRCh37 (hg19) VCF-style: chr15-42682170-A-G.
Other names: c.821A>G, p.Tyr274Cys (NM_024344.2); c.801+876A>G (NM_173087.2); short protein forms Y274C.
Identifiers: ClinVar variation 972553 (VCV000972553.9), dbSNP rs138914944, ClinGen allele CA7511140.

ClinVar aggregate classification (germline): Uncertain significance. Review status: criteria provided, multiple submitters, no conflicts (2 of 4 stars). 3 submissions from 3 submitters: Uncertain significance (2). 1 of the submissions does not count toward it. Last evaluated 2025-11-11.

Conditions:
Autosomal recessive limb-girdle muscular dystrophy type 2A (LGMDR1). Also called: Muscular dystrophy, limb-girdle, type 2A, Amish; Limb-girdle muscular dystrophy, type 2A; Calpainopathy; LEYDEN-MOEBIUS MUSCULAR DYSTROPHY; MUSCULAR DYSTROPHY, PELVOFEMORAL. Identifiers: Orphanet 267, MedGen C1869123, MONDO:0009675, OMIM 253600. Disease mechanism: loss of function.
Inborn genetic diseases. Identifiers: MedGen C0950123, MeSH D030342.

Allele frequency attached by ClinVar (database versions not stated): gnomAD exomes 0.00002 and 0.00004; ExAC 0.00004; gnomAD 0.00004; TOPMed 0.00004; ESP Exome Variant Server 0.00015; 1000 Genomes Project 30x 0.00016; 1000 Genomes Project 0.00020.
gnomAD v4.1: 29 of 1,613,958 alleles (0.0018%); highest among the groups gnomAD compares: Middle Eastern, 0.017%; no homozygotes.

Submissions (3):

Labcorp Genetics (formerly Invitae), Labcorp
Classification: Uncertain significance for Autosomal recessive limb-girdle muscular dystrophy type 2A. Last evaluated: 2025-11-11. Review status: criteria provided, single submitter. Criteria: Invitae Variant Classification Sherloc (09022015). Collection method: clinical testing. Allele origin: germline.
Comment: This sequence change replaces tyrosine, which is neutral and polar, with cysteine, which is neutral and slightly polar, at codon 274 of the CAPN3 protein (p.Tyr274Cys). This variant is present in population databases (rs138914944, gnomAD 0.03%). This variant has not been reported in the literature in individuals affected with CAPN3-related conditions. ClinVar contains an entry for this variant (Variation ID: 972553). An algorithm developed to predict the effect of missense changes on protein structure and function outputs the following: PolyPhen-2: "Benign". The cysteine amino acid residue is found in multiple mammalian species, which suggests that this missense change does not adversely affect protein function. In summary, the available evidence is currently insufficient to determine the role of this variant in disease. Therefore, it has been classified as a Variant of Uncertain Significance.

Ambry Genetics
Classification: Uncertain significance for Inborn genetic diseases. Last evaluated: 2024-06-11. Review status: criteria provided, single submitter. Criteria: Ambry Variant Classification Scheme 2023. Collection method: clinical testing. Allele origin: germline.

Natera, Inc.
Classification: Uncertain significance for Limb-girdle muscular dystrophy type 2A. Last evaluated: 2020-08-11. Review status: no assertion criteria provided. Collection method: clinical testing. Allele origin: germline. Not counted in ClinVar's aggregate classification.